The following is an entry in ClinVar:

ClinVar aggregate classification (germline): Conflicting classifications of pathogenicity. Review status: criteria provided, conflicting classifications (1 of 4 stars). 4 submissions from 4 submitters: Uncertain significance (3); Likely benign (1). Last evaluated 2026-01-26.

Conditions:
Hereditary spastic paraplegia 8 (SPG8). Also called: SPASTIC PARAPLEGIA 8, AUTOSOMAL DOMINANT. Identifiers: Orphanet 100989, MedGen C1863704, MONDO:0011339, OMIM 603563.
Ritscher-Schinzel syndrome. Also called: CRANIOCEREBELLOCARDIAC DYSPLASIA. Identifiers: Orphanet 7, MedGen C0796137, MONDO:0019078.

Allele frequency attached by ClinVar (database versions not stated): TOPMed 0.00008; ExAC 0.00012; gnomAD exomes 0.00015 and 0.00021; gnomAD 0.00030 and 0.00031.
gnomAD v4.1: 269 of 1,614,000 alleles (0.017%); highest among the groups gnomAD compares: Non-Finnish European, 0.011%; no homozygotes.

Submissions (4):

Labcorp Genetics (formerly Invitae), Labcorp
Classification: Likely benign for Ritscher-Schinzel syndrome; Hereditary spastic paraplegia 8. Last evaluated: 2026-01-26. Review status: criteria provided, single submitter. Criteria: Invitae Variant Classification Sherloc (09022015). Collection method: clinical testing. Allele origin: germline.

GeneDx
Classification: Uncertain significance. Last evaluated: 2025-09-20. Review status: criteria provided, single submitter. Criteria: GeneDx Variant Classification Process June 2021. Collection method: clinical testing. Allele origin: germline. Affected: yes.
Comment: In silico analysis suggests that this missense variant does not alter protein structure/function; Has not been previously published as pathogenic or benign to our knowledge; This variant is associated with the following publications: (PMID: 24451228)

Mayo Clinic Laboratories, Mayo Clinic
Classification: Uncertain significance. Last evaluated: 2025-03-07. Review status: criteria provided, single submitter. Criteria: ACMG Guidelines, 2015. Collection method: clinical testing. Allele origin: germline. Observed: 1 variant allele.
Comment: BS1

Blueprint Genetics
Classification: Uncertain significance. Last evaluated: 2024-03-04. Review status: criteria provided, single submitter. Criteria: ACMG Guidelines, 2015. Collection method: clinical testing. Allele origin: germline.

NM_014846.4(WASHC5):c.1945A>G (p.Ile649Val)

Gene: WASHC5 (WASH complex subunit 5; minus strand). Cytogenetic location: 8q24.13.
Variant type: single nucleotide variant.
Coding change: c.1945A>G on transcript NM_014846.4 (MANE Select); coding-DNA position 1945, A replaced by G.
Protein change: p.Ile649Val; replaces isoleucine 649 with valine.
Molecular consequence: missense variant.
Genome position (GRCh38, 1-based): chr8:125,056,748, T>C on the plus strand (A>G on the coding strand, the complement: WASHC5 is on the minus strand). VCF-style: chr8-125056748-T-C. GRCh37 (hg19) VCF-style: chr8-126068990-T-C.
Other names: p.Ile649Val; c.1501A>G, p.Ile501Val (NM_001330609.2); short protein forms I501V, I649V.
Identifiers: ClinVar variation 1307647 (VCV001307647.7), dbSNP rs774897141, ClinGen allele CA4873675.